The following is an entry in ClinVar:

NM_006059.4(LAMC3):c.4230+5G>A

Gene: LAMC3 (laminin subunit gamma 3; plus strand). Cytogenetic location: 9q34.12.
Variant type: single nucleotide variant.
Coding change: c.4230+5G>A on transcript NM_006059.4 (MANE Select); 5 bases into the intron after coding-DNA position 4230, G replaced by A.
Molecular consequence: intron variant.
Genome position (GRCh38, 1-based): chr9:131,085,728, G>A. VCF-style: chr9-131085728-G-A. GRCh37 (hg19) VCF-style: chr9-133961115-G-A.
Identifiers: ClinVar variation 1371586 (VCV001371586.6), dbSNP rs1830320024, ClinGen allele CA1881551435.

ClinVar aggregate classification (germline): Uncertain significance (1 of 4 stars; one submission).

Submission:

Labcorp Genetics (formerly Invitae), Labcorp
Classification: Uncertain significance. Last evaluated: 2022-03-19. Review status: criteria provided, single submitter. Criteria: Invitae Variant Classification Sherloc (09022015). Collection method: clinical testing. Allele origin: germline.
Comment: This sequence change falls in intron 25 of the LAMC3 gene. It does not directly change the encoded amino acid sequence of the LAMC3 protein. It affects a nucleotide within the consensus splice site. This variant is not present in population databases (gnomAD no frequency). In summary, the available evidence is currently insufficient to determine the role of this variant in disease. Therefore, it has been classified as a Variant of Uncertain Significance. Variants that disrupt the consensus splice site are a relatively common cause of aberrant splicing (PMID: 17576681, 9536098). Algorithms developed to predict the effect of sequence changes on RNA splicing suggest that this variant may disrupt the consensus splice site. This variant has not been reported in the literature in individuals affected with LAMC3-related conditions.

Literature cited by the submitters: PubMed 17576681; PubMed 9536098.